The following is an entry in ClinVar:

NM_001278716.2(FBXL4):c.1104-13G>T

Gene: FBXL4 (F-box and leucine rich repeat protein 4; minus strand). Cytogenetic location: 6q16.1.
Variant type: single nucleotide variant.
Coding change: c.1104-13G>T on transcript NM_001278716.2 (MANE Select); 13 bases into the intron before coding-DNA position 1104, G replaced by T.
Molecular consequence: intron variant.
Genome position (GRCh38, 1-based): chr6:98,899,494, C>A on the plus strand (G>T on the coding strand, the complement: FBXL4 is on the minus strand). VCF-style: chr6-98899494-C-A. GRCh37 (hg19) VCF-style: chr6-99347370-C-A.
Other names: c.1104-13G>T (NM_012160.5).
Identifiers: ClinVar variation 437693 (VCV000437693.3), dbSNP rs118092784, ClinGen allele CA3933523.

ClinVar aggregate classification (germline): Conflicting classifications of pathogenicity. Review status: criteria provided, conflicting classifications (1 of 4 stars). 2 submissions from 2 submitters: Uncertain significance (1); Likely benign (1). Last evaluated 2024-04-30.

Conditions:
Mitochondrial DNA depletion syndrome 13. Also called: FBXL4-Related Encephalomyopathic Mitochondrial DNA Depletion Syndrome; Mitochondrial DNA depletion syndrome 13 (encephalomyopathic type). Identifiers: Orphanet 369897, MedGen C3809592, MONDO:0014198, OMIM 615471.

Allele frequency attached by ClinVar (database versions not stated): ExAC 0.00001; gnomAD exomes 0.00001; TOPMed 0.00003; gnomAD 0.00005 and 0.00006; 1000 Genomes Project 0.00020; 1000 Genomes Project 30x 0.00047.
gnomAD v4.1: 24 of 1,606,620 alleles (0.0015%); highest among the groups gnomAD compares: African/African-American, 0.0094%; no homozygotes.

Submissions (2):

Labcorp Genetics (formerly Invitae), Labcorp
Classification: Likely benign. Last evaluated: 2024-04-30. Review status: criteria provided, single submitter. Criteria: Invitae Variant Classification Sherloc (09022015). Collection method: clinical testing. Allele origin: germline.

Wong Mito Lab, Molecular and Human Genetics, Baylor College of Medicine
Classification: Uncertain significance for Mitochondrial DNA depletion syndrome 13. Last evaluated: 2017-08-10. Review status: criteria provided, single submitter. Criteria: ACMG Guidelines, 2015. Collection method: reference population. Allele origin: germline.
Comment: The NM_012160.4:c.1104-13G>T (NP_036292.2:p.=) [GRCH38: NC_000006.12:g.98899494C>A] variant in FBXL4 gene is interpretated to be a Uncertain Significance - Insufficient Evidence based on ACMG guidelines (PMID: 25741868). This variant meets one or more of the following evidence codes reported in the ACMG-guideline. PM2:This variant is absent in key population databases. Based on this evidence code ClinGen Pathogenicity Calculator (PMID:28081714) suggested that the variant is Uncertain Significance - Insufficient Evidence.